The following is an entry in ClinVar:

NM_004991.4(MECOM):c.1753G>A (p.Val585Ile)

Gene: MECOM (MDS1 and EVI1 complex locus; minus strand). Cytogenetic location: 3q26.2.
Variant type: single nucleotide variant.
Coding change: c.1753G>A on transcript NM_004991.4 (MANE Select); coding-DNA position 1753, G replaced by A.
Protein change: p.Val585Ile; replaces valine 585 with isoleucine.
Molecular consequence: missense variant. On other transcripts: intron variant (2).
Genome position (GRCh38, 1-based): chr3:169,116,119, C>T on the plus strand (G>A on the coding strand, the complement: MECOM is on the minus strand). VCF-style: chr3-169116119-C-T. GRCh37 (hg19) VCF-style: chr3-168833907-C-T.
Other names: c.1192G>A, p.Val398Ile (NM_001163999.2, NM_001366467.2, NM_001366468.2 and 1 more transcripts); c.1189G>A, p.Val397Ile (NM_001164000.2, NM_001205194.2, NM_001366469.2 and 4 more transcripts); c.1753G>A, p.Val585Ile (NM_001366466.2); c.1133-352G>A (NM_001366473.2); c.569-352G>A (NM_001366474.2); c.1384G>A, p.Val462Ile (NM_001105077.4); short protein forms V397I, V585I, V398I, V462I.
Identifiers: ClinVar variation 3688728 (VCV003688728.2).

ClinVar aggregate classification (germline): Uncertain significance (1 of 4 stars; one submission).

gnomAD v4.1: 4 of 1,614,186 alleles (0.00025%); highest among the groups gnomAD compares: South Asian, 0.0033%; no homozygotes.

Submission:

Labcorp Genetics (formerly Invitae), Labcorp
Classification: Uncertain significance. Last evaluated: 2024-10-07. Review status: criteria provided, single submitter. Criteria: Invitae Variant Classification Sherloc (09022015). Collection method: clinical testing. Allele origin: germline.
Comment: This sequence change replaces valine, which is neutral and non-polar, with isoleucine, which is neutral and non-polar, at codon 397 of the MECOM protein (p.Val397Ile). This variant is present in population databases (rs764352523, gnomAD 0.003%). This variant has not been reported in the literature in individuals affected with MECOM-related conditions. An algorithm developed to predict the effect of missense changes on protein structure and function (PolyPhen-2) suggests that this variant is likely to be disruptive. In summary, the available evidence is currently insufficient to determine the role of this variant in disease. Therefore, it has been classified as a Variant of Uncertain Significance.